The following is an entry in ClinVar:

NM_004655.4(AXIN2):c.4A>G (p.Ser2Gly)

Gene: AXIN2 (axin 2; minus strand). Cytogenetic location: 17q24.1.
Variant type: single nucleotide variant.
Coding change: c.4A>G on transcript NM_004655.4 (MANE Select); coding-DNA position 4, A replaced by G.
Protein change: p.Ser2Gly; replaces serine 2 with glycine.
Molecular consequence: missense variant.
Genome position (GRCh38, 1-based): chr17:65,558,617, T>C on the plus strand (A>G on the coding strand, the complement: AXIN2 is on the minus strand). VCF-style: chr17-65558617-T-C. GRCh37 (hg19) VCF-style: chr17-63554735-T-C.
Other names: c.4A>G, p.Ser2Gly (NM_001363813.1); short protein forms S2G.
Identifiers: ClinVar variation 1039363 (VCV001039363.14), dbSNP rs2044313678, ClinGen allele CA400682517.
Genomic context (GRCh38, chr17:65,558,617, plus strand): 5'-GGGCATCCTCACGGAAGCTGCTGCTGGGGTCCGGGAGGCAAGTCACCAACATAGCGCTAC[T>C]CATGGTGAGGGAGCTCTTCCCACTGAGTCTGGGAATTTTTCTTCTTCCAGTTCCTCTCAG-3'
Protein context (NP_004646.3, residues 1-12): M[Ser2Gly]SAMLVTCLPD

ClinVar aggregate classification (germline): Uncertain significance. Review status: criteria provided, multiple submitters, no conflicts (2 of 4 stars). 3 submissions from 3 submitters: Uncertain significance (3). Last evaluated 2025-09-04.

Conditions:
Hereditary cancer-predisposing syndrome. Also called: Neoplastic Syndromes, Hereditary; Hereditary Cancer Syndrome; Tumor predisposition; Hereditary neoplastic syndrome. Identifiers: Orphanet 140162, MedGen C0027672, MeSH D009386, MONDO:0015356.
Oligodontia-cancer predisposition syndrome. Also called: TOOTH AGENESIS-COLORECTAL CANCER SYNDROME. Identifiers: Orphanet 300576, MedGen C1837750, MONDO:0012075, OMIM 608615. Disease mechanism: loss of function.

Allele frequency attached by ClinVar (database versions not stated): gnomAD exomes below 0.00001.

Submissions (3):

Ambry Genetics
Classification: Uncertain significance for Hereditary cancer-predisposing syndrome. Last evaluated: 2025-09-04. Review status: criteria provided, single submitter. Criteria: Ambry Variant Classification Scheme 2023. Collection method: clinical testing. Allele origin: germline.
Comment: The p.S2G variant (also known as c.4A>G), located in coding exon 1 of the AXIN2 gene, results from an A to G substitution at nucleotide position 4. The serine at codon 2 is replaced by glycine, an amino acid with similar properties. This amino acid position is conserved. In addition, the in silico prediction for this alteration is inconclusive. Since supporting evidence is limited at this time, the clinical significance of this alteration remains unclear.

Labcorp Genetics (formerly Invitae), Labcorp
Classification: Uncertain significance for Oligodontia-cancer predisposition syndrome. Last evaluated: 2024-04-10. Review status: criteria provided, single submitter. Criteria: Invitae Variant Classification Sherloc (09022015). Collection method: clinical testing. Allele origin: germline.
Comment: This sequence change replaces serine, which is neutral and polar, with glycine, which is neutral and non-polar, at codon 2 of the AXIN2 protein (p.Ser2Gly). This variant is not present in population databases (gnomAD no frequency). This variant has not been reported in the literature in individuals affected with AXIN2-related conditions. ClinVar contains an entry for this variant (Variation ID: 1039363). An algorithm developed to predict the effect of missense changes on protein structure and function (PolyPhen-2) suggests that this variant is likely to be disruptive. In summary, the available evidence is currently insufficient to determine the role of this variant in disease. Therefore, it has been classified as a Variant of Uncertain Significance.

Sema4
Classification: Uncertain significance for Hereditary cancer-predisposing syndrome. Last evaluated: 2022-03-04. Review status: criteria provided, single submitter. Criteria: Sema4 Curation Guidelines. Collection method: curation. Allele origin: germline.
Comment: The AXIN2 c.4A>G (p.S2G) variant has not been reported in the literature to our knowledge. It was not observed in the large and broad cohorts of the Genome Aggregation Database (PMID: 32461654). This variant has been reported in ClinVar (Variation ID: 1039363). Functional studies have not been performed, and in silico predictions of the variant's effect on protein function are inconclusive. The evidence is insufficient to meet ACMG/AMP criteria for classifying the variant as benign or pathogenic. Thus, the clinical significance of this variant is currently uncertain.